The following is an entry in ClinVar:

NM_005141.5(FGB):c.1268_1269del (p.Gln423fs)

Gene: FGB (fibrinogen beta chain; plus strand). Cytogenetic location: 4q31.3.
Variant type: Deletion.
Coding change: c.1268_1269del on transcript NM_005141.5 (MANE Select); coding-DNA positions 1268 to 1269, 2 bases deleted (AG; older notation c.1268_1269delAG).
Protein change: p.Gln423fs; shifts the reading frame from glutamine 423.
Molecular consequence: frameshift variant. On other transcripts: 3 prime UTR variant (1), intron variant (2).
Genome position (GRCh38, 1-based): chr4:154,570,442-154,570,443, AG deleted. VCF-style (leftmost placement, unchanged base first): chr4-154570441-CAG-C. GRCh37 (hg19) VCF-style: chr4-155491593-CAG-C.
Other names: p.Gln423Leufs*3; c.1091_1092del, p.Gln364fs (NM_001184741.1); c.1136_1137del, p.Gln379fs (NM_001382759.1); c.968_969del, p.Gln323fs (NM_001382762.1); c.1259_1260del, p.Gln420fs (NM_001382763.1); c.*42_*43del (NM_001382764.1); c.1244_1245del, p.Gln415fs (NM_001382765.1); c.1268_1269delAG, p.Gln423Leufs (NM_005141.4); and 2 more; short protein forms Q323fs, Q364fs, Q379fs, Q415fs, Q420fs, Q423fs.
Identifiers: ClinVar variation 3380985 (VCV003380985.2).

ClinVar aggregate classification (germline): Likely pathogenic (1 of 4 stars; one submission).

Submission:

Mayo Clinic Laboratories, Mayo Clinic
Classification: Likely pathogenic. Last evaluated: 2024-05-08. Review status: criteria provided, single submitter. Criteria: ACMG Guidelines, 2015. Collection method: clinical testing. Allele origin: germline. Observed: 2 variant alleles.
Comment: PM2_moderate, PVS1_strong